The following is an entry in ClinVar:

NM_003482.4(KMT2D):c.12478C>G (p.Leu4160Val)

Gene: KMT2D (lysine methyltransferase 2D; minus strand). Cytogenetic location: 12q13.12.
Variant type: single nucleotide variant.
Coding change: c.12478C>G on transcript NM_003482.4 (MANE Select); coding-DNA position 12478, C replaced by G.
Protein change: p.Leu4160Val; replaces leucine 4160 with valine.
Molecular consequence: missense variant.
Genome position (GRCh38, 1-based): chr12:49,032,227, G>C on the plus strand (C>G on the coding strand, the complement: KMT2D is on the minus strand). VCF-style: chr12-49032227-G-C. GRCh37 (hg19) VCF-style: chr12-49426010-G-C.
Other names: short protein forms L4160V.
Identifiers: ClinVar variation 531887 (VCV000531887.8), dbSNP rs1437975816, ClinGen allele CA384711344.

ClinVar aggregate classification (germline): Uncertain significance (1 of 4 stars; one submission).

Conditions:
Kabuki syndrome. Also called: Kabuki make-up syndrome; NIIKAWA-KUROKI SYNDROME. Identifiers: Orphanet 2322, MedGen C0796004, MONDO:0016512.

Allele frequency attached by ClinVar (database versions not stated): TOPMed 0.00001.
gnomAD v4.1: 3 of 1,613,778 alleles (0.00019%); highest among the groups gnomAD compares: Non-Finnish European, 0.00025%; no homozygotes.

Submission:

Labcorp Genetics (formerly Invitae), Labcorp
Classification: Uncertain significance for Kabuki syndrome. Last evaluated: 2017-12-18. Review status: criteria provided, single submitter. Criteria: Invitae Variant Classification Sherloc (09022015). Collection method: clinical testing. Allele origin: germline.
Comment: In summary, the available evidence is currently insufficient to determine the role of this variant in disease. Therefore, it has been classified as a Variant of Uncertain Significance. Algorithms developed to predict the effect of sequence changes on RNA splicing suggest that this variant may create or strengthen a splice site, but this prediction has not been confirmed by published transcriptional studies. Algorithms developed to predict the effect of missense changes on protein structure and function do not agree on the potential impact of this missense change (SIFT: "Deleterious"; PolyPhen-2: "Possibly Damaging"; Align-GVGD: "Class C0"). This variant has not been reported in the literature in individuals with KMT2D-related disease. This variant is not present in population databases (ExAC no frequency). This sequence change replaces leucine with valine at codon 4160 of the KMT2D protein (p.Leu4160Val). The leucine residue is moderately conserved and there is a small physicochemical difference between leucine and valine.